The following is an entry in ClinVar:

NM_004415.4(DSP):c.1582C>G (p.Gln528Glu)

Gene: DSP (desmoplakin; plus strand). Cytogenetic location: 6p24.3.
Variant type: single nucleotide variant.
Coding change: c.1582C>G on transcript NM_004415.4 (MANE Select); coding-DNA position 1582, C replaced by G.
Protein change: p.Gln528Glu; replaces glutamine 528 with glutamic acid.
Molecular consequence: missense variant.
Genome position (GRCh38, 1-based): chr6:7,570,444, C>G. VCF-style: chr6-7570444-C-G. GRCh37 (hg19) VCF-style: chr6-7570677-C-G.
Other names: c.1582C>G (NM_004415.2); c.1582C>G, p.Gln528Glu (NM_001008844.3, NM_001319034.2); short protein forms Q528E.
Identifiers: ClinVar variation 1051827 (VCV001051827.13), dbSNP rs1267435790, ClinGen allele CA362677992.
Genomic context (GRCh38, chr6:7,570,444, plus strand): 5'-GGGATGAAGTGTGAAAGCCTGGCTCTAGCATGTTTTCCCTTTGTGCCTCTTAGGATTGAG[C>G]AGTACTACGAAGCCATCTTGGCTCTGTGGAACCAGCTCTACATCAACATGAAGAGCCTGG-3'
Protein context (NP_004406.2, residues 518-538): LAVDLSCKIE[Gln528Glu]YYEAILALWN

ClinVar aggregate classification (germline): Conflicting classifications of pathogenicity. Review status: criteria provided, conflicting classifications (1 of 4 stars). 3 submissions from 3 submitters: Uncertain significance (2); Likely benign (1). Last evaluated 2024-07-02.

Conditions:
Cardiovascular phenotype. Identifiers: MedGen CN230736.
Arrhythmogenic cardiomyopathy with wooly hair and keratoderma. Also called: Dilated cardiomyopathy with woolly hair and keratoderma; Arrhythmogenic cardiomyopathy with woolly hair and keratoderma; PALMOPLANTAR KERATODERMA WITH LEFT VENTRICULAR CARDIOMYOPATHY AND WOOLLY HAIR; Carvajal syndrome. Identifiers: Orphanet 65282, MedGen C1854063, MONDO:0011581, OMIM 605676.
Arrhythmogenic right ventricular dysplasia 8 (ARVD8). Also called: Arrhythmogenic Right Ventricular Dysplasia/Cardiomyopathy 8; ARRHYTHMOGENIC RIGHT VENTRICULAR DYSPLASIA, FAMILIAL, 8; ARRHYTHMOGENIC RIGHT VENTRICULAR CARDIOMYOPATHY 8. Identifiers: MedGen C1843896, MONDO:0011831, OMIM 607450.

Allele frequency attached by ClinVar (database versions not stated): gnomAD exomes 0.00001.
gnomAD v4.1: 3 of 1,614,168 alleles (0.00019%); highest among the groups gnomAD compares: Admixed American, 0.005%; no homozygotes.

Submissions (3):

Ambry Genetics
Classification: Uncertain significance for Cardiovascular phenotype. Last evaluated: 2024-07-02. Review status: criteria provided, single submitter. Criteria: Ambry Variant Classification Scheme 2023. Collection method: clinical testing. Allele origin: germline.

All of Us Research Program, National Institutes of Health
Classification: Uncertain significance for Arrhythmogenic cardiomyopathy with wooly hair and keratoderma. Last evaluated: 2023-08-15. Review status: criteria provided, single submitter. Criteria: ACMG Guidelines, 2015. Collection method: clinical testing. Allele origin: germline. Inheritance: Autosomal dominant inheritance. Observed: 1 variant allele, 1 heterozygote.
Comment: This missense variant replaces glutamine with glutamic acid at codon 528 of the DSP protein. Computational prediction suggests that this variant may not impact protein structure and function (internally defined REVEL score threshold <= 0.5, PMID: 27666373). To our knowledge, functional studies have not been reported for this variant. This variant has not been reported in individuals affected with DSP-related disorders in the literature. This variant has been identified in 3/251388 chromosomes in the general population by the Genome Aggregation Database (gnomAD). The available evidence is insufficient to determine the role of this variant in disease conclusively. Therefore, this variant is classified as a Variant of Uncertain Significance.

This study involves interpretation of variants in research participants for the purpose of population health screening. Participant phenotype was not available at the time of variant classification. Additional details can be found in publication PMID: 35346344, PMCID: PMC8962531

Labcorp Genetics (formerly Invitae), Labcorp
Classification: Likely benign for Arrhythmogenic cardiomyopathy with wooly hair and keratoderma; Arrhythmogenic right ventricular dysplasia 8. Last evaluated: 2022-07-19. Review status: criteria provided, single submitter. Criteria: Invitae Variant Classification Sherloc (09022015). Collection method: clinical testing. Allele origin: germline.